The following is an entry in ClinVar:

ClinVar aggregate classification (germline): Uncertain significance (1 of 4 stars; one submission).

Conditions:
Inborn genetic diseases. Identifiers: MedGen C0950123, MeSH D030342.

gnomAD v4.1: 1 of 1,614,092 alleles (0.000062%); no homozygotes.

Submission:

Ambry Genetics
Classification: Uncertain significance for Inborn genetic diseases. Last evaluated: 2024-12-14. Review status: criteria provided, single submitter. Criteria: Ambry Variant Classification Scheme 2023. Collection method: clinical testing. Allele origin: germline.
Comment: The p.T822K variant (also known as c.2465C>A), located in coding exon 12 of the BMPR2 gene, results from a C to A substitution at nucleotide position 2465. The threonine at codon 822 is replaced by lysine, an amino acid with similar properties. This amino acid position is conserved. In addition, this alteration is predicted to be tolerated by in silico analysis. Based on the available evidence, the clinical significance of this variant remains unclear.

NM_001204.7(BMPR2):c.2465C>A (p.Thr822Lys)

Gene: BMPR2 (bone morphogenetic protein receptor type 2; plus strand). Cytogenetic location: 2q33.2.
Variant type: single nucleotide variant.
Coding change: c.2465C>A on transcript NM_001204.7 (MANE Select); coding-DNA position 2465, C replaced by A.
Protein change: p.Thr822Lys; replaces threonine 822 with lysine.
Molecular consequence: missense variant.
Genome position (GRCh38, 1-based): chr2:202,556,130, C>A. VCF-style: chr2-202556130-C-A. GRCh37 (hg19) VCF-style: chr2-203420853-C-A.
Other names: short protein forms T822K.
Identifiers: ClinVar variation 3824744 (VCV003824744.1).